The following is an entry in ClinVar:

NM_001378615.1(CC2D2A):c.2053A>G (p.Lys685Glu)

Genes: CC2D2A (coiled-coil and C2 domain containing 2A; plus strand), FBXL5 (F-box and leucine rich repeat protein 5; minus strand). Cytogenetic location: 4p15.32.
Variant type: single nucleotide variant.
Coding change: c.2053A>G on transcript NM_001378615.1 (MANE Select); coding-DNA position 2053, A replaced by G.
Protein change: p.Lys685Glu; replaces lysine 685 with glutamic acid.
Molecular consequence: missense variant.
Genome position (GRCh38, 1-based): chr4:15,540,886, A>G. VCF-style: chr4-15540886-A-G. GRCh37 (hg19) VCF-style: chr4-15542509-A-G.
Other names: c.2053A>G, p.Lys685Glu (NM_001080522.2); c.1906A>G, p.Lys636Glu (NM_001378617.1); short protein forms K685E, K636E.
Identifiers: ClinVar variation 595980 (VCV000595980.16), dbSNP rs879877075, ClinGen allele CA92533926.
Genomic context (GRCh38, chr4:15,540,886, plus strand): 5'-TCCTTTTGCAGAGCGGAGGTCTCGAGAAGGGAGGATGTAAAGAAGCGCTCAGTGTACTTA[A>G]AAGTGCTGTTCAACAACAAGGAGGTGTCCAGGACAGTCAGTCGGCCACTAGGAGCAGACT-3'
Protein context (NP_001365544.1, residues 675-695): EDVKKRSVYL[Lys685Glu]VLFNNKEVSR

ClinVar aggregate classification (germline): Uncertain significance. Review status: criteria provided, multiple submitters, no conflicts (2 of 4 stars). 4 submissions from 4 submitters: Uncertain significance (3). 1 of the submissions does not count toward it. Last evaluated 2024-08-27.

Conditions:
Inborn genetic diseases. Identifiers: MedGen C0950123, MeSH D030342.
Meckel-Gruber syndrome. Also called: Dysencephalia splachnocystica; DYSENCEPHALIA SPLANCHNOCYSTICA; GRUBER SYNDROME. Identifiers: Orphanet 564, MedGen C0265215, MONDO:0018921.
Joubert syndrome. Also called: Familial aplasia of the vermis; JOUBERT-BOLTSHAUSER SYNDROME. Identifiers: Orphanet 475, MedGen C5979921, MONDO:0018772.
CC2D2A-related disorder. Also called: CC2D2A-related disorders; CC2D2A-related condition. Identifiers: MedGen CN239313.

Allele frequency attached by ClinVar (database versions not stated): gnomAD exomes 0.00001 and 0.00006; TOPMed 0.00003; gnomAD 0.00001.

Submissions (4):

Labcorp Genetics (formerly Invitae), Labcorp
Classification: Uncertain significance for Joubert syndrome; Meckel-Gruber syndrome. Last evaluated: 2024-08-27. Review status: criteria provided, single submitter. Criteria: Invitae Variant Classification Sherloc (09022015). Collection method: clinical testing. Allele origin: germline.
Comment: This sequence change replaces lysine, which is basic and polar, with glutamic acid, which is acidic and polar, at codon 685 of the CC2D2A protein (p.Lys685Glu). This variant is present in population databases (no rsID available, gnomAD 0.008%). This variant has not been reported in the literature in individuals affected with CC2D2A-related conditions. ClinVar contains an entry for this variant (Variation ID: 595980). Invitae Evidence Modeling of protein sequence and biophysical properties (such as structural, functional, and spatial information, amino acid conservation, physicochemical variation, residue mobility, and thermodynamic stability) indicates that this missense variant is not expected to disrupt CC2D2A protein function with a negative predictive value of 95%. In summary, the available evidence is currently insufficient to determine the role of this variant in disease. Therefore, it has been classified as a Variant of Uncertain Significance.

Ambry Genetics
Classification: Uncertain significance for Inborn genetic diseases. Last evaluated: 2024-07-30. Review status: criteria provided, single submitter. Criteria: Ambry Variant Classification Scheme 2023. Collection method: clinical testing. Allele origin: germline.

Eurofins Ntd Llc (ga)
Classification: Uncertain significance. Last evaluated: 2018-02-06. Review status: criteria provided, single submitter. Criteria: EGL Classification Definitions 2015. Collection method: clinical testing. Allele origin: germline. Observed: 1 variant allele, 1 heterozygote.

PreventionGenetics, part of Exact Sciences
Classification: Uncertain significance for CC2D2A-related condition. Last evaluated: 2024-02-16. Review status: no assertion criteria provided. Collection method: clinical testing. Allele origin: germline. Not counted in ClinVar's aggregate classification.
Comment: The CC2D2A c.2053A>G variant is predicted to result in the amino acid substitution p.Lys685Glu. To our knowledge, this variant has not been reported in the literature. This variant is reported in 0.0076% of alleles in individuals of African descent in gnomAD. At this time, the clinical significance of this variant is uncertain due to the absence of conclusive functional and genetic evidence.